The following is an entry in ClinVar:

ClinVar aggregate classification (germline): Uncertain significance (1 of 4 stars; one submission).

Allele frequency attached by ClinVar (database versions not stated): gnomAD exomes below 0.00001; ExAC 0.00001; gnomAD 0.00001.
gnomAD v4.1: 8 of 1,604,184 alleles (0.0005%); highest among the groups gnomAD compares: East Asian, 0.0022%; no homozygotes.

Submission:

Labcorp Genetics (formerly Invitae), Labcorp
Classification: Uncertain significance. Last evaluated: 2022-10-29. Review status: criteria provided, single submitter. Criteria: Invitae Variant Classification Sherloc (09022015). Collection method: clinical testing. Allele origin: germline.
Comment: In summary, the available evidence is currently insufficient to determine the role of this variant in disease. Therefore, it has been classified as a Variant of Uncertain Significance. Advanced modeling of protein sequence and biophysical properties (such as structural, functional, and spatial information, amino acid conservation, physicochemical variation, residue mobility, and thermodynamic stability) performed at Invitae indicates that this missense variant is not expected to disrupt SRCAP protein function. This variant has not been reported in the literature in individuals affected with SRCAP-related conditions. This variant is present in population databases (rs751571911, gnomAD 0.0009%). This sequence change replaces arginine, which is basic and polar, with glutamine, which is neutral and polar, at codon 2859 of the SRCAP protein (p.Arg2859Gln).

NM_006662.3(SRCAP):c.8576G>A (p.Arg2859Gln)

Gene: SRCAP (Snf2 related CREBBP activator protein; plus strand). Cytogenetic location: 16p11.2.
Variant type: single nucleotide variant.
Coding change: c.8576G>A on transcript NM_006662.3 (MANE Select); coding-DNA position 8576, G replaced by A.
Protein change: p.Arg2859Gln; replaces arginine 2859 with glutamine.
Molecular consequence: missense variant.
Genome position (GRCh38, 1-based): chr16:30,738,616, G>A. VCF-style: chr16-30738616-G-A. GRCh37 (hg19) VCF-style: chr16-30749937-G-A.
Other names: short protein forms R2859Q.
Identifiers: ClinVar variation 1951596 (VCV001951596.5), dbSNP rs751571911, ClinGen allele CA8012733.
Genomic context (GRCh38, chr16:30,738,616, plus strand): 5'-GCAGCCCCGAGAATGGAGACGGAGCACTGCTCGCCATCACCCCACCTGCTGTGAAACGTC[G>A]GAGGGGGAGGCCCCCCAAGAAGAACAGGTCTCCAGCAGATGCTGGGAGAGGTGTGGATGA-3'
Protein context (NP_006653.2, residues 2849-2869): LAITPPAVKR[Arg2859Gln]RGRPPKKNRS